The following is an entry in ClinVar:

ClinVar aggregate classification (germline): Likely benign. Review status: criteria provided, multiple submitters, no conflicts (2 of 4 stars). 2 submissions from 2 submitters: Likely benign (2). Last evaluated 2026-04-01.

Allele frequency attached by ClinVar (database versions not stated): gnomAD exomes 0.00001 and 0.00003; TOPMed 0.00001; ExAC 0.00003.
gnomAD v4.1: 10 of 1,605,048 alleles (0.00062%); highest among the groups gnomAD compares: East Asian, 0.018%; no homozygotes.

Submissions (2):

CeGaT Center for Human Genetics Tuebingen
Classification: Likely benign. Last evaluated: 2026-04-01. Review status: criteria provided, single submitter. Criteria: CeGaT Center For Human Genetics Tuebingen Variant Classification Criteria Version 2. Collection method: clinical testing. Allele origin: germline. Affected: yes. Observed: 1 variant allele.
Comment: KMT2B: BP4, BP7

Labcorp Genetics (formerly Invitae), Labcorp
Classification: Likely benign. Last evaluated: 2023-07-25. Review status: criteria provided, single submitter. Criteria: Invitae Variant Classification Sherloc (09022015). Collection method: clinical testing. Allele origin: germline.

NM_014727.3(KMT2B):c.6405A>G (p.Ser2135=)

Gene: KMT2B (lysine methyltransferase 2B; plus strand). Cytogenetic location: 19q13.12.
Variant type: single nucleotide variant.
Coding change: c.6405A>G on transcript NM_014727.3 (MANE Select); coding-DNA position 6405, A replaced by G.
Protein change: p.Ser2135=; no amino-acid change (serine 2135 retained).
Molecular consequence: synonymous variant.
Genome position (GRCh38, 1-based): chr19:35,732,954, A>G. VCF-style: chr19-35732954-A-G. GRCh37 (hg19) VCF-style: chr19-36223855-A-G.
Identifiers: ClinVar variation 745202 (VCV000745202.10), dbSNP rs755230505, ClinGen allele CA9385678.